The following is an entry in ClinVar:

NM_001001331.4(ATP2B2):c.3420+1G>A

Gene: ATP2B2 (ATPase plasma membrane Ca2+ transporting 2; minus strand). Cytogenetic location: 3p25.3.
Variant type: single nucleotide variant.
Coding change: c.3420+1G>A on transcript NM_001001331.4 (MANE Select); the canonical splice donor site of the intron after coding-DNA position 3420, G replaced by A.
Molecular consequence: splice donor variant.
Genome position (GRCh38, 1-based): chr3:10,338,175, C>T on the plus strand (G>A on the coding strand, the complement: ATP2B2 is on the minus strand). VCF-style: chr3-10338175-C-T. GRCh37 (hg19) VCF-style: chr3-10379859-C-T.
Other names: c.3285+1G>A (NM_001438036.1, NM_001353564.1, NM_001683.5 and 2 more transcripts); c.3327+1G>A (NM_001438646.1).
Identifiers: ClinVar variation 4644260 (VCV004644260.1).

ClinVar aggregate classification (germline): Likely pathogenic (1 of 4 stars; one submission).

Submission:

Ambry Genetics
Classification: Likely pathogenic. Last evaluated: 2025-12-11. Review status: criteria provided, single submitter. Criteria: Ambry Variant Classification Scheme 2023. Collection method: clinical testing. Allele origin: germline.
Comment: The c.3285+1G>A intronic variant consists of a G to A substitution one nucleotide after exon 19 (coding exon 18) of the ATP2B2 gene. This alteration occurs at the 3' terminus of the ATP2B2 gene and is not expected to trigger nonsense-mediated mRNA decay. The exact functional effect of this alteration is unknown; however, a significant portion of the protein is affected (Ambry internal data). for ATP2B2-related neurodevelopmental disorder; however, its clinical significance for ATP2B2-related deafness is uncertain. This variant was not reported in population-based cohorts in the Genome Aggregation Database (gnomAD). This nucleotide position is highly conserved in available vertebrate species. In silico splice site analysis predicts that this alteration may weaken the native splice donor site and may result in the creation or strengthening of a novel splice donor site. Based on the available evidence, this alteration is classified as likely pathogenic.